The following is an entry in ClinVar:

ClinVar aggregate classification (germline): Benign/Likely benign. Review status: criteria provided, multiple submitters, no conflicts (2 of 4 stars). 8 submissions from 8 submitters: Benign (2); Likely benign (4). 2 of the submissions do not count toward it. Last evaluated 2026-01-27.

Conditions:
Karyomegalic interstitial nephritis. Identifiers: Orphanet 401996, MedGen C3553774, MONDO:0013898, OMIM 614817.

Allele frequency attached by ClinVar (database versions not stated): 1000 Genomes Project 0.00479; 1000 Genomes Project 30x 0.00484; TOPMed 0.01348; gnomAD 0.01403 and 0.01439; gnomAD exomes 0.01424; ExAC 0.01495; ESP Exome Variant Server 0.01684.
gnomAD v4.1: 35,437 of 1,613,892 alleles (2.2%); highest among the groups gnomAD compares: Non-Finnish European, 2.7%; 470 homozygotes.

Submissions (8):

Labcorp Genetics (formerly Invitae), Labcorp
Classification: Benign. Last evaluated: 2026-01-27. Review status: criteria provided, single submitter. Criteria: Invitae Variant Classification Sherloc (09022015). Collection method: clinical testing. Allele origin: germline.

Blueprint Genetics
Classification: Likely benign. Last evaluated: 2024-11-27. Review status: criteria provided, single submitter. Criteria: ACMG Guidelines, 2015. Collection method: clinical testing. Allele origin: germline.

Mayo Clinic Laboratories, Mayo Clinic
Classification: Benign. Last evaluated: 2023-06-22. Review status: criteria provided, single submitter. Criteria: ACMG Guidelines, 2015. Collection method: clinical testing. Allele origin: germline. Observed: 6 variant alleles.
Comment: BS1, BS2, BP4, BP7

Fulgent Genetics
Classification: Likely benign for Karyomegalic interstitial nephritis. Last evaluated: 2021-12-10. Review status: criteria provided, single submitter. Criteria: ACMG Guidelines, 2015. Collection method: clinical testing. Allele origin: unknown.

GeneDx
Classification: Likely benign. Last evaluated: 2019-12-29. Review status: criteria provided, single submitter. Criteria: GeneDx Variant Classification Process June 2021. Collection method: clinical testing. Allele origin: germline. Affected: yes.

Breakthrough Genomics
Classification: Likely benign. Review status: criteria provided, single submitter. Criteria: ACMG Guidelines, 2015. Collection method: not provided. Allele origin: germline. Inheritance: Autosomal recessive inheritance. Affected: yes.

Genome Diagnostics Laboratory, Amsterdam University Medical Center
Classification: Benign. Review status: no assertion criteria provided. Collection method: clinical testing. Allele origin: germline. Affected: yes. Study: VKGL Data-share Consensus. Not counted in ClinVar's aggregate classification.

Laboratory of Diagnostic Genome Analysis, Leiden University Medical Center (LUMC)
Classification: Likely benign. Review status: no assertion criteria provided. Collection method: clinical testing. Allele origin: germline. Affected: yes. Study: VKGL Data-share Consensus. Not counted in ClinVar's aggregate classification.

NM_014967.5(FAN1):c.1851C>T (p.Ser617=)

Gene: FAN1 (FANCD2 and FANCI associated nuclease 1; plus strand). Cytogenetic location: 15q13.3.
Variant type: single nucleotide variant.
Coding change: c.1851C>T on transcript NM_014967.5 (MANE Select); coding-DNA position 1851, C replaced by T.
Protein change: p.Ser617=; no amino-acid change (serine 617 retained).
Molecular consequence: synonymous variant.
Genome position (GRCh38, 1-based): chr15:30,918,203, C>T. VCF-style: chr15-30918203-C-T. GRCh37 (hg19) VCF-style: chr15-31210406-C-T.
Other names: p.Ser617=.
Identifiers: ClinVar variation 1218283 (VCV001218283.16), dbSNP rs118060760, ClinGen allele CA7450419.